The following is an entry in ClinVar:

ClinVar aggregate classification (germline): Uncertain significance. Review status: criteria provided, multiple submitters, no conflicts (2 of 4 stars). 2 submissions from 2 submitters: Uncertain significance (2). Last evaluated 2025-03-04.

Conditions:
Inborn genetic diseases. Identifiers: MedGen C0950123, MeSH D030342.

Allele frequency attached by ClinVar (database versions not stated): gnomAD exomes 0.00001; ExAC 0.00002; gnomAD 0.00001.
gnomAD v4.1: 5 of 1,604,796 alleles (0.00031%); highest among the groups gnomAD compares: Non-Finnish European, 0.00042%; no homozygotes.

Submissions (2):

GeneDx
Classification: Uncertain significance. Last evaluated: 2025-03-04. Review status: criteria provided, single submitter. Criteria: GeneDx Variant Classification Process June 2021. Collection method: clinical testing. Allele origin: germline. Affected: yes.
Comment: Not observed at significant frequency in large population cohorts (gnomAD); In silico analysis supports that this missense variant has a deleterious effect on protein structure/function; Has not been previously published as pathogenic or benign to our knowledge

Ambry Genetics
Classification: Uncertain significance for Inborn genetic diseases. Last evaluated: 2022-08-17. Review status: criteria provided, single submitter. Criteria: Ambry Variant Classification Scheme 2023. Collection method: clinical testing. Allele origin: germline.

NM_005807.6(PRG4):c.1226C>T (p.Pro409Leu)

Gene: PRG4 (proteoglycan 4; plus strand). Cytogenetic location: 1q31.1.
Variant type: single nucleotide variant.
Coding change: c.1226C>T on transcript NM_005807.6 (MANE Select); coding-DNA position 1226, C replaced by T.
Protein change: p.Pro409Leu; replaces proline 409 with leucine.
Molecular consequence: missense variant.
Genome position (GRCh38, 1-based): chr1:186,306,945, C>T. VCF-style: chr1-186306945-C-T. GRCh37 (hg19) VCF-style: chr1-186276077-C-T.
Other names: c.1103C>T, p.Pro368Leu (NM_001127708.3); c.947C>T, p.Pro316Leu (NM_001127709.3); c.824C>T, p.Pro275Leu (NM_001127710.3); c.1097C>T, p.Pro366Leu (NM_001303232.2); c.1226C>T (NM_005807.4); short protein forms P366L, P368L, P316L, P275L, P409L.
Identifiers: ClinVar variation 2308510 (VCV002308510.3), dbSNP rs776954509, ClinGen allele CA1296050.
Genomic context (GRCh38, chr1:186,306,945, plus strand): 5'-CACCCACCACTCCCAAGGAGCCTGCACCCACCACCACCAAGGAGCCTGCACCCACCACTC[C>T]CAAGGAGCCTGCACCCACCACCACCAAGGAGCCTGCACCCACCACCACCAAGTCTGCACC-3'
Protein context (NP_005798.3, residues 399-419): TTTKEPAPTT[Pro409Leu]KEPAPTTTKE